The following is an entry in ClinVar:

NM_001184880.2(PCDH19):c.3025G>A (p.Gly1009Ser)

Gene: PCDH19 (protocadherin 19; minus strand). Cytogenetic location: Xq22.1.
Variant type: single nucleotide variant.
Coding change: c.3025G>A on transcript NM_001184880.2 (MANE Select); coding-DNA position 3025, G replaced by A.
Protein change: p.Gly1009Ser; replaces glycine 1009 with serine.
Molecular consequence: missense variant.
Genome position (GRCh38, 1-based): chrX:100,296,699, C>T on the plus strand (G>A on the coding strand, the complement: PCDH19 is on the minus strand). VCF-style: chrX-100296699-C-T. GRCh37 (hg19) VCF-style: chrX-99551697-C-T.
Other names: c.2884G>A, p.Gly962Ser (NM_001105243.2); c.2881G>A, p.Gly961Ser (NM_020766.3); short protein forms G1009S, G962S, G961S.
Identifiers: ClinVar variation 1525630 (VCV001525630.6), dbSNP rs2147446230, ClinGen allele CA414000612.

ClinVar aggregate classification (germline): Uncertain significance (1 of 4 stars; one submission).

Conditions:
Developmental and epileptic encephalopathy, 9 (DEE9). Also called: Early infantile epileptic encephalopathy 9; EPILEPSY, FEMALE-RESTRICTED, WITH MENTAL RETARDATION; JUBERG-HELLMAN SYNDROME; PCDH19-Related X-Linked Female-Limited Epilepsy with Mental Retardation. Identifiers: Orphanet 101039, Orphanet 2076, MedGen C1848137, MONDO:0010246, OMIM 300088. Disease mechanism: loss of function.

Submission:

Labcorp Genetics (formerly Invitae), Labcorp
Classification: Uncertain significance for Developmental and epileptic encephalopathy, 9. Last evaluated: 2021-10-03. Review status: criteria provided, single submitter. Criteria: Invitae Variant Classification Sherloc (09022015). Collection method: clinical testing. Allele origin: germline.
Comment: In summary, the available evidence is currently insufficient to determine the role of this variant in disease. Therefore, it has been classified as a Variant of Uncertain Significance. Algorithms developed to predict the effect of sequence changes on RNA splicing suggest that this variant may create or strengthen a splice site. Advanced modeling of protein sequence and biophysical properties (such as structural, functional, and spatial information, amino acid conservation, physicochemical variation, residue mobility, and thermodynamic stability) performed at Invitae indicates that this missense variant is not expected to disrupt PCDH19 protein function. This variant has not been reported in the literature in individuals affected with PCDH19-related conditions. This variant is not present in population databases (ExAC no frequency). This sequence change replaces glycine with serine at codon 1009 of the PCDH19 protein (p.Gly1009Ser). The glycine residue is moderately conserved and there is a small physicochemical difference between glycine and serine.